The following is an entry in ClinVar:

NM_024884.3(L2HGDH):c.845G>A (p.Arg282Gln)

Gene: L2HGDH (L-2-hydroxyglutarate dehydrogenase; minus strand). Cytogenetic location: 14q21.3.
Variant type: single nucleotide variant.
Coding change: c.845G>A on transcript NM_024884.3 (MANE Select); coding-DNA position 845, G replaced by A.
Protein change: p.Arg282Gln; replaces arginine 282 with glutamine.
Molecular consequence: missense variant.
Genome position (GRCh38, 1-based): chr14:50,269,224, C>T on the plus strand (G>A on the coding strand, the complement: L2HGDH is on the minus strand). VCF-style: chr14-50269224-C-T. GRCh37 (hg19) VCF-style: chr14-50735942-C-T.
Other names: short protein forms R282Q.
Identifiers: ClinVar variation 841222 (VCV000841222.9), dbSNP rs765312282, ClinGen allele CA7177876.

ClinVar aggregate classification (germline): Uncertain significance. Review status: criteria provided, multiple submitters, no conflicts (2 of 4 stars). 2 submissions from 2 submitters: Uncertain significance (2). Last evaluated 2023-11-16.

Conditions:
L-2-hydroxyglutaric aciduria (L2HGA). Identifiers: Orphanet 79314, MedGen C1855995, MONDO:0009370, OMIM 236792, HP:0040144.

Allele frequency attached by ClinVar (database versions not stated): gnomAD exomes 0.00001 and 0.00003; TOPMed 0.00001; ExAC 0.00002.
gnomAD v4.1: 26 of 1,613,772 alleles (0.0016%); highest among the groups gnomAD compares: Middle Eastern, 0.016%; no homozygotes.

Submissions (2):

GeneDx
Classification: Uncertain significance. Last evaluated: 2023-11-16. Review status: criteria provided, single submitter. Criteria: GeneDx Variant Classification Process June 2021. Collection method: clinical testing. Allele origin: germline. Affected: yes.
Comment: In silico analysis supports that this missense variant has a deleterious effect on protein structure/function; This variant is associated with the following publications: (PMID: 26829733, 31433517, 18362286)

Labcorp Genetics (formerly Invitae), Labcorp
Classification: Uncertain significance for L-2-hydroxyglutaric aciduria. Last evaluated: 2021-02-04. Review status: criteria provided, single submitter. Criteria: Invitae Variant Classification Sherloc (09022015). Collection method: clinical testing. Allele origin: germline.
Comment: This sequence change replaces arginine with glutamine at codon 282 of the L2HGDH protein (p.Arg282Gln). The arginine residue is highly conserved and there is a small physicochemical difference between arginine and glutamine. This variant is present in population databases (rs765312282, ExAC 0.03%). This variant has been observed in the homozygous state in an individual diagnosed with L-2-hydroxyglutaric aciduria (L-2-HGA) (PMID: 18362286); this variant has also been observed in two siblings with L-2-HGA; however, a second mutation was not identified in these individuals (PMID: 26829733). Algorithms developed to predict the effect of missense changes on protein structure and function are either unavailable or do not agree on the potential impact of this missense change (SIFT: "Tolerated"; PolyPhen-2: "Probably Damaging"; Align-GVGD: "Class C0"). Algorithms developed to predict the effect of sequence changes on RNA splicing suggest that this variant may create or strengthen a splice site, but this prediction has not been confirmed by published transcriptional studies. This variant disrupts the p.Arg282 amino acid residue in L2HGDH. Other variant(s) that disrupt this residue have been observed in individuals with L2HGDH-related conditions (PMID: 20052767), which suggests that this may be a clinically significant amino acid residue. In summary, the available evidence is currently insufficient to determine the role of this variant in disease. Therefore, it has been classified as a Variant of Uncertain Significance.

Literature cited by the submitters: PubMed 18362286 (cited by Labcorp Genetics (formerly Invitae), Labcorp); PubMed 26829733 (cited by Labcorp Genetics (formerly Invitae), Labcorp); PubMed 20052767 (cited by Labcorp Genetics (formerly Invitae), Labcorp).